The following is an entry in ClinVar:

ClinVar aggregate classification (germline): Uncertain significance (1 of 4 stars; one submission).

Allele frequency attached by ClinVar (database versions not stated): ExAC 0.00002.
gnomAD v4.1: 15 of 1,613,946 alleles (0.00093%); highest among the groups gnomAD compares: South Asian, 0.015%; no homozygotes.

Submission:

Labcorp Genetics (formerly Invitae), Labcorp
Classification: Uncertain significance. Last evaluated: 2022-02-22. Review status: criteria provided, single submitter. Criteria: Invitae Variant Classification Sherloc (09022015). Collection method: clinical testing. Allele origin: germline.
Comment: This sequence change replaces valine, which is neutral and non-polar, with isoleucine, which is neutral and non-polar, at codon 114 of the RIPK1 protein (p.Val114Ile). This variant is present in population databases (rs763816596, gnomAD 0.01%). This variant has not been reported in the literature in individuals affected with RIPK1-related conditions. Algorithms developed to predict the effect of missense changes on protein structure and function are either unavailable or do not agree on the potential impact of this missense change (SIFT: "Not Available"; PolyPhen-2: "Possibly Damaging"; Align-GVGD: "Not Available"). In summary, the available evidence is currently insufficient to determine the role of this variant in disease. Therefore, it has been classified as a Variant of Uncertain Significance.

NM_001354930.2(RIPK1):c.340G>A (p.Val114Ile)

Gene: RIPK1 (receptor interacting serine/threonine kinase 1; plus strand). Cytogenetic location: 6p25.2.
Variant type: single nucleotide variant.
Coding change: c.340G>A on transcript NM_001354930.2 (MANE Select); coding-DNA position 340, G replaced by A.
Protein change: p.Val114Ile; replaces valine 114 with isoleucine.
Molecular consequence: missense variant. On other transcripts: 5 prime UTR variant (4), intron variant (1).
Genome position (GRCh38, 1-based): chr6:3,080,997, G>A. VCF-style: chr6-3080997-G-A. GRCh37 (hg19) VCF-style: chr6-3081231-G-A.
Other names: c.-264G>A (NM_001317061.3, NM_001354932.2, NM_001354933.2 and 1 more transcripts); c.340G>A, p.Val114Ile (NM_003804.6); c.322-2088G>A (NM_001354931.2); short protein forms V114I.
Identifiers: ClinVar variation 1977057 (VCV001977057.5), dbSNP rs763816596, ClinGen allele CA3618168.